The following is an entry in ClinVar:

NM_005216.5(DDOST):c.908C>T (p.Ala303Val)

Gene: DDOST (dolichyl-diphosphooligosaccharide--protein glycosyltransferase non-catalytic subunit; minus strand). Cytogenetic location: 1p36.12.
Variant type: single nucleotide variant.
Coding change: c.908C>T on transcript NM_005216.5 (MANE Select); coding-DNA position 908, C replaced by T.
Protein change: p.Ala303Val; replaces alanine 303 with valine.
Molecular consequence: missense variant.
Genome position (GRCh38, 1-based): chr1:20,653,661, G>A on the plus strand (C>T on the coding strand, the complement: DDOST is on the minus strand). VCF-style: chr1-20653661-G-A. GRCh37 (hg19) VCF-style: chr1-20980154-G-A.
Other names: short protein forms A303V.
Identifiers: ClinVar variation 2164693 (VCV002164693.4), dbSNP rs1393364142, ClinGen allele CA338848426.

ClinVar aggregate classification (germline): Uncertain significance (1 of 4 stars; one submission).

Conditions:
Congenital disorder of glycosylation type Ir (CDG1R). Also called: DDOST-congenital disorder of glycosylation. Identifiers: Orphanet 300536, MedGen C3281084, MONDO:0013789, OMIM 614507.

Allele frequency attached by ClinVar (database versions not stated): gnomAD exomes below 0.00001.
gnomAD v4.1: 5 of 1,612,840 alleles (0.00031%); highest among the groups gnomAD compares: Non-Finnish European, 0.00042%; no homozygotes.

Submission:

Labcorp Genetics (formerly Invitae), Labcorp
Classification: Uncertain significance for Congenital disorder of glycosylation type Ir. Last evaluated: 2022-07-19. Review status: criteria provided, single submitter. Criteria: Invitae Variant Classification Sherloc (09022015). Collection method: clinical testing. Allele origin: germline.
Comment: Algorithms developed to predict the effect of missense changes on protein structure and function (SIFT, PolyPhen-2, Align-GVGD) all suggest that this variant is likely to be tolerated. In summary, the available evidence is currently insufficient to determine the role of this variant in disease. Therefore, it has been classified as a Variant of Uncertain Significance. This variant has not been reported in the literature in individuals affected with DDOST-related conditions. The frequency data for this variant in the population databases is considered unreliable, as metrics indicate poor data quality at this position in the gnomAD database. This sequence change replaces alanine, which is neutral and non-polar, with valine, which is neutral and non-polar, at codon 320 of the DDOST protein (p.Ala320Val).